The following is an entry in ClinVar:

NM_015559.3(SETBP1):c.1192A>G (p.Ser398Gly)

Gene: SETBP1 (SET binding protein 1; plus strand). Cytogenetic location: 18q12.3.
Variant type: single nucleotide variant.
Coding change: c.1192A>G on transcript NM_015559.3 (MANE Select); coding-DNA position 1192, A replaced by G.
Protein change: p.Ser398Gly; replaces serine 398 with glycine.
Molecular consequence: missense variant.
Genome position (GRCh38, 1-based): chr18:44,950,532, A>G. VCF-style: chr18-44950532-A-G. GRCh37 (hg19) VCF-style: chr18-42530497-A-G.
Other names: c.1192A>G, p.Ser398Gly (NM_001410862.1, NM_001379141.1, NM_001379142.1); short protein forms S398G.
Identifiers: ClinVar variation 2745842 (VCV002745842.3), dbSNP rs1009581743, ClinGen allele CA402318002.

ClinVar aggregate classification (germline): Uncertain significance (1 of 4 stars; one submission).

Submission:

Labcorp Genetics (formerly Invitae), Labcorp
Classification: Uncertain significance. Last evaluated: 2023-07-27. Review status: criteria provided, single submitter. Criteria: Invitae Variant Classification Sherloc (09022015). Collection method: clinical testing. Allele origin: germline.
Comment: In summary, the available evidence is currently insufficient to determine the role of this variant in disease. Therefore, it has been classified as a Variant of Uncertain Significance. This variant is not present in population databases (gnomAD no frequency). This variant has not been reported in the literature in individuals affected with SETBP1-related conditions. Advanced modeling of protein sequence and biophysical properties (such as structural, functional, and spatial information, amino acid conservation, physicochemical variation, residue mobility, and thermodynamic stability) performed at Invitae indicates that this missense variant is not expected to disrupt SETBP1 protein function. This sequence change replaces serine, which is neutral and polar, with glycine, which is neutral and non-polar, at codon 398 of the SETBP1 protein (p.Ser398Gly).